The following is an entry in ClinVar:

NM_031885.5(BBS2):c.1911-986_1914del

Gene: BBS2 (Bardet-Biedl syndrome 2; minus strand). Cytogenetic location: 16q13.
Variant type: Deletion.
Coding change: c.1911-986_1914del on transcript NM_031885.5 (MANE Select); 986 bases into the intron before coding-DNA position 1911 through coding-DNA position 1914, 990 bases deleted.
Molecular consequence: splice acceptor variant.
Genome position (GRCh38, 1-based): chr16:56,485,735-56,486,724, 990 bases deleted. GRCh37 (hg19): chr16:56,519,647-56,520,636.
Other names: c.1911-986_1914del (NM_001377456.1).
Identifiers: ClinVar variation 2744528 (VCV002744528.3), dbSNP rs2543672661, ClinGen allele CA2697555830.

ClinVar aggregate classification (germline): Likely pathogenic (1 of 4 stars; one submission).

Conditions:
Bardet-Biedl syndrome (BBS). Identifiers: Orphanet 110, MedGen C0752166, MONDO:0015229.

Submission:

Labcorp Genetics (formerly Invitae), Labcorp
Classification: Likely pathogenic for Bardet-Biedl syndrome. Last evaluated: 2023-07-17. Review status: criteria provided, single submitter. Criteria: Invitae Variant Classification Sherloc (09022015). Collection method: clinical testing. Allele origin: germline.
Comment: This variant results in the deletion of part of exon 16 (c.1911-986_1914del) of the BBS2 gene. It is expected to disrupt RNA splicing. Variants that disrupt the donor or acceptor splice site typically lead to a loss of protein function (PMID: 16199547), and loss-of-function variants in BBS2 are known to be pathogenic (PMID: 11285252, 20177705, 24608809, 26518167). In summary, the currently available evidence indicates that the variant is pathogenic, but additional data are needed to prove that conclusively. Therefore, this variant has been classified as Likely Pathogenic. This variant has not been reported in the literature in individuals affected with BBS2-related conditions. This variant is not present in population databases (gnomAD no frequency).

Literature cited by the submitters: PubMed 16199547; PubMed 11285252; PubMed 20177705; PubMed 24608809; PubMed 26518167.